The following is an entry in ClinVar:

NM_001101426.4(CRPPA):c.178A>T (p.Met60Leu)

Genes: CRPPA (CDP-L-ribitol pyrophosphorylase A; minus strand), LOC129998004 (ATAC-STARR-seq lymphoblastoid silent region 17981; plus strand). Cytogenetic location: 7p21.2.
Variant type: single nucleotide variant.
Coding change: c.178A>T on transcript NM_001101426.4 (MANE Select); coding-DNA position 178, A replaced by T.
Protein change: p.Met60Leu; replaces methionine 60 with leucine.
Molecular consequence: missense variant. On other transcripts: non-coding transcript variant (1).
Genome position (GRCh38, 1-based): chr7:16,421,145, T>A on the plus strand (A>T on the coding strand, the complement: CRPPA is on the minus strand). VCF-style: chr7-16421145-T-A. GRCh37 (hg19) VCF-style: chr7-16460770-T-A.
Other names: c.178A>T, p.Met60Leu (NM_001101417.4, NM_001368197.1); short protein forms M60L.
Identifiers: ClinVar variation 2006617 (VCV002006617.4), dbSNP rs2546758969, ClinGen allele CA367004074.

ClinVar aggregate classification (germline): Uncertain significance (1 of 4 stars; one submission).

Conditions:
Muscular dystrophy-dystroglycanopathy (congenital with brain and eye anomalies), type A, 7. Also called: WALKER-WARBURG SYNDROME OR MUSCLE-EYE-BRAIN DISEASE, ISPD-RELATED; Congenital muscular dystrophy-dystroglycanopathy with brain and eye anomalies, type A7. Identifiers: Orphanet 899, MedGen C3553330, MONDO:0013835, OMIM 614643.
Autosomal recessive limb-girdle muscular dystrophy type 2U. Also called: MUSCULAR DYSTROPHY, LIMB-GIRDLE, TYPE 2U; Muscular dystrophy-dystroglycanopathy (limb-girdle), type c, 7. Identifiers: Orphanet 352479, MedGen C5190987, MONDO:0014474, OMIM 616052.

Submission:

Labcorp Genetics (formerly Invitae), Labcorp
Classification: Uncertain significance for Muscular dystrophy-dystroglycanopathy (congenital with brain and eye anomalies), type A, 7; Autosomal recessive limb-girdle muscular dystrophy type 2U. Last evaluated: 2022-10-17. Review status: criteria provided, single submitter. Criteria: Invitae Variant Classification Sherloc (09022015). Collection method: clinical testing. Allele origin: germline.
Comment: In summary, the available evidence is currently insufficient to determine the role of this variant in disease. Therefore, it has been classified as a Variant of Uncertain Significance. Advanced modeling of protein sequence and biophysical properties (such as structural, functional, and spatial information, amino acid conservation, physicochemical variation, residue mobility, and thermodynamic stability) performed at Invitae indicates that this missense variant is not expected to disrupt ISPD protein function. This variant has not been reported in the literature in individuals affected with ISPD-related conditions. This variant is not present in population databases (gnomAD no frequency). This sequence change replaces methionine, which is neutral and non-polar, with leucine, which is neutral and non-polar, at codon 60 of the ISPD protein (p.Met60Leu).